The following is an entry in ClinVar:

ClinVar aggregate classification (germline): Likely benign (1 of 4 stars; one submission).

gnomAD v4.1: 3 of 1,604,070 alleles (0.00019%); highest among the groups gnomAD compares: Non-Finnish European, 0.000085%; no homozygotes.

Submission:

CeGaT Center for Human Genetics Tuebingen
Classification: Likely benign. Last evaluated: 2025-10-01. Review status: criteria provided, single submitter. Criteria: CeGaT Center For Human Genetics Tuebingen Variant Classification Criteria Version 2. Collection method: clinical testing. Allele origin: germline. Affected: yes. Observed: 1 variant allele.
Comment: LRBA: BP4, BP7

NM_001364905.1(LRBA):c.2754C>T (p.Ile918=)

Gene: LRBA (LPS responsive beige-like anchor protein; minus strand). Cytogenetic location: 4q31.3.
Variant type: single nucleotide variant.
Coding change: c.2754C>T on transcript NM_001364905.1 (MANE Select); coding-DNA position 2754, C replaced by T.
Protein change: p.Ile918=; no amino-acid change (isoleucine 918 retained).
Molecular consequence: synonymous variant.
Genome position (GRCh38, 1-based): chr4:150,867,683, G>A on the plus strand (C>T on the coding strand, the complement: LRBA is on the minus strand). VCF-style: chr4-150867683-G-A. GRCh37 (hg19) VCF-style: chr4-151788835-G-A.
Other names: c.2754C>T, p.Ile918= (NM_001199282.3, NM_001367550.1, NM_001440430.1 and 2 more transcripts).
Identifiers: ClinVar variation 4533936 (VCV004533936.6).